The following is an entry in ClinVar:

NC_000016.10:g.(89746891_89748658)_(89770025_89770165)del

Gene: FANCA (FA complementation group A; minus strand). Cytogenetic location: 16q24.3.
Variant type: Deletion.
Identifiers: ClinVar variation 974031 (VCV000974031.1).

ClinVar aggregate classification (germline): Uncertain significance (0 of 4 stars; one submission).

Conditions:
Fanconi anemia complementation group A (FANCA). Also called: Fanconi anemia, group A; FANCA-Related Fanconi Anemia. Identifiers: Orphanet 84, MedGen C3469521, MONDO:0009215, OMIM 227650.

Submission:

Leiden Open Variation Database
Classification: Uncertain significance for Fanconi anemia complementation group A. Last evaluated: 2020-02-28. Review status: no assertion criteria provided. Collection method: curation. Allele origin: germline. Affected: yes.
Comment: Curator: Arleen D. Auerbach. Submitter to LOVD: Arleen D. Auerbach.